The following is an entry in ClinVar:

ClinVar aggregate classification (germline): Pathogenic. Review status: criteria provided, multiple submitters, no conflicts (2 of 4 stars). 10 submissions from 10 submitters: Pathogenic (6). 4 of the submissions do not count toward it. Last evaluated 2025-05-19.

Conditions:
Inborn genetic diseases. Identifiers: MedGen C0950123, MeSH D030342.
Warburg micro syndrome 1 (WARBM1). Identifiers: Orphanet 2510, MedGen C1838625, MONDO:0010822, OMIM 600118.

Allele frequency attached by ClinVar (database versions not stated): gnomAD exomes below 0.00001; TOPMed 0.00001.
gnomAD v4.1: 1 of 1,567,242 alleles (0.000064%); highest among the groups gnomAD compares: Non-Finnish European, 0.000088%; no homozygotes.

Submissions (10):

Labcorp Genetics (formerly Invitae), Labcorp
Classification: Pathogenic. Last evaluated: 2025-05-19. Review status: criteria provided, single submitter. Criteria: Invitae Variant Classification Sherloc (09022015). Collection method: clinical testing. Allele origin: germline.
Comment: This sequence change affects a donor splice site in intron 8 of the RAB3GAP1 gene. It is expected to disrupt RNA splicing. Variants that disrupt the donor or acceptor splice site typically lead to a loss of protein function (PMID: 16199547), and loss-of-function variants in RAB3GAP1 are known to be pathogenic (PMID: 23420520). This variant is not present in population databases (gnomAD no frequency). Disruption of this splice site has been observed in individuals with Warburg Micro syndrome (PMID: 15696165, 23420520, 26852512). ClinVar contains an entry for this variant (Variation ID: 7058). Algorithms developed to predict the effect of sequence changes on RNA splicing suggest that this variant may disrupt the consensus splice site. For these reasons, this variant has been classified as Pathogenic.

CeGaT Center for Human Genetics Tuebingen
Classification: Pathogenic. Last evaluated: 2025-01-01. Review status: criteria provided, single submitter. Criteria: CeGaT Center For Human Genetics Tuebingen Variant Classification Criteria Version 2. Collection method: clinical testing. Allele origin: germline. Affected: yes. Observed: 3 variant alleles.
Comment: RAB3GAP1: PVS1, PM2, PM3

Broad Center for Mendelian Genomics, Broad Institute of MIT and Harvard
Classification: Pathogenic for Warburg micro syndrome 1. Last evaluated: 2023-05-02. Review status: criteria provided, single submitter. Criteria: ACMG Guidelines, 2015. Collection method: curation. Allele origin: germline. Inheritance: Autosomal recessive inheritance.
Comment: The c.748+1G>A variant in RAB3GAP1 has been previously reported in 10 individuals with Warburg micro syndrome 1 (PMID: 31319225, PMID: 23420520, PMID: 26852512, PMID: 17351351, PMID: 15696165), but has been identified in 0.0008% (1/125568) of chromosomes by TopMed Bravo (dbSNP ID: rs587776651). Although this variant has been seen in the general population in a heterozygous state, its frequency is low enough to be consistent with a recessive carrier frequency. This variant has also been reported in ClinVar (Variation ID: 7058) and has been interpreted as pathogenic by GeneDx, Erasmus Medical Center, Invitae, Joint Genome Diagnostic Labs from Nijmegen and Maastricht, Institute for Medical Genetics and Human Genetics, Charit√© - Universit√§tsmedizin Berlin, and OMIM. The 10 affected individuals previously reported were homozygotes (PMID: 31319225, PMID: 23420520, PMID: 26852512, PMID: 17351351, PMID: 15696165), which increases the likelihood that the c.748+1G>A variant is pathogenic. This variant is located in the 5‚Äô splice region. Computational tools do suggest an impact to splicing. However, this information is not predictive enough to determine pathogenicity. Loss of function of the RAB3GAP1 gene is an established disease mechanism in autosomal recessive Warburg micro syndrome 1. In summary, this variant meets criteria to be classified as pathogenic for autosomal recessive Warburg micro syndrome 1. ACMG/AMP Criteria applied: PVS1, PM2_Supporting, PM3 (Richards 2015).

Institute for Medical Genetics and Human Genetics, Charité - Universitätsmedizin Berlin
Classification: Pathogenic for Warburg micro syndrome 1. Last evaluated: 2022-09-22. Review status: criteria provided, single submitter. Criteria: ACMG Guidelines, 2015. Collection method: clinical testing. Allele origin: germline. Inheritance: Autosomal recessive inheritance. Affected: yes. Observed: 2 homozygotes. Clinical features observed: Hypospadias (HP:0000047), Developmental cataract (HP:0000519), Optic nerve hypoplasia (HP:0000609), Global developmental delay (HP:0001263), Hypoplasia of the corpus callosum (HP:0002079), Hepatomegaly (HP:0002240).

Ambry Genetics
Classification: Pathogenic for Inborn genetic diseases. Last evaluated: 2022-06-17. Review status: criteria provided, single submitter. Criteria: Ambry Variant Classification Scheme 2023. Collection method: clinical testing. Allele origin: germline.
Comment: The c.748+1G>A intronic variant results from a G to A substitution one nucleotide(s) after coding exon 8 of the RAB3GAP1 gene. Alterations that disrupt the canonical splice site are expected to cause aberrant splicing, resulting in an abnormal protein or a transcript that is subject to nonsense-mediated mRNA decay. This variant was not reported in population-based cohorts in the Genome Aggregation Database (gnomAD). This mutation has been reported in the homozygous state is several Turkish individuals with Warburg micro syndrome (Aligianis, 2005; Morris-Rosendahl, 2010; Handley, 2012; Handley, 2013; Tasdemir, 2015). Based on the available evidence, this alteration is classified as pathogenic.

GeneDx
Classification: Pathogenic. Last evaluated: 2017-11-28. Review status: criteria provided, single submitter. Criteria: GeneDx Variant Classification (06012015). Collection method: clinical testing. Allele origin: germline. Affected: yes.
Comment: The c.748+1G>A variant in the RAB3GAP1 gene has been reported previously in association with Warburg Micro syndrome, and is considered a founder mutation in the Turkish population (Handley et al., 2013). This splice site variant destroys the canonical splice donor site of intron 8. It is predicted to cause abnormal gene splicing, either leading to an abnormal message that is subject to nonsense-mediated mRNA decay, or to an abnormal protein product if the message is used for protein translation. The c.748+1G>A variant is not observed in large population cohorts (Lek et al., 2016). We interpret c.748+1G>A as a pathogenic variant.

OMIM
Classification: Pathogenic for WARBURG MICRO SYNDROME 1. Last evaluated: 2013-05-01. Review status: no assertion criteria provided. Collection method: literature only. Allele origin: germline. Not counted in ClinVar's aggregate classification.

Clinical Genetics DNA and cytogenetics Diagnostics Lab, Erasmus MC, Erasmus Medical Center
Classification: Pathogenic. Review status: no assertion criteria provided. Collection method: clinical testing. Allele origin: germline. Affected: yes. Study: VKGL Data-share Consensus. Not counted in ClinVar's aggregate classification.

GeneReviews
No classification provided. Condition: Warburg micro syndrome 1. Review status: no classification provided. Collection method: literature only. Allele origin: germline. Not counted in ClinVar's aggregate classification.

Joint Genome Diagnostic Labs from Nijmegen and Maastricht, Radboudumc and MUMC+
Classification: Pathogenic. Review status: no assertion criteria provided. Collection method: clinical testing. Allele origin: germline. Affected: yes. Study: VKGL Data-share Consensus. Not counted in ClinVar's aggregate classification.

Literature cited by the submitters: PubMed 16199547 (cited by Labcorp Genetics (formerly Invitae), Labcorp); PubMed 23420520 (cited by 3 submitters); PubMed 15696165 (cited by 3 submitters); PubMed 26852512 (cited by Labcorp Genetics (formerly Invitae), Labcorp and Ambry Genetics); PubMed 17351351 (cited by Ambry Genetics and OMIM); PubMed 20512159 (cited by Ambry Genetics); PubMed 23176487 (cited by Ambry Genetics); PubMed 31319225 (cited by Ambry Genetics); NCBI Bookshelf NBK475670 (cited by GeneReviews); PubMed 29300443 (cited by GeneReviews).

NM_012233.3(RAB3GAP1):c.748+1G>A

Gene: RAB3GAP1 (RAB3 GTPase activating protein catalytic subunit 1; plus strand). Cytogenetic location: 2q21.3.
Variant type: single nucleotide variant.
Coding change: c.748+1G>A on transcript NM_012233.3 (MANE Select); the canonical splice donor site of the intron after coding-DNA position 748, G replaced by A.
Molecular consequence: splice donor variant.
Genome position (GRCh38, 1-based): chr2:135,120,919, G>A. VCF-style: chr2-135120919-G-A. GRCh37 (hg19) VCF-style: chr2-135878489-G-A.
Other names: NP_036365.1:N/A; IVS8DS, G-A, +1; c.748+1G>A (NM_001172435.2).
Identifiers: ClinVar variation 7058 (VCV000007058.33), dbSNP rs587776651, ClinGen allele CA118600.